The following is an entry in ClinVar:

NM_001122659.3(EDNRB):c.41C>T (p.Ala14Val)

Gene: EDNRB (endothelin receptor type B; minus strand). Cytogenetic location: 13q22.3.
Variant type: single nucleotide variant.
Coding change: c.41C>T on transcript NM_001122659.3 (MANE Select); coding-DNA position 41, C replaced by T.
Protein change: p.Ala14Val; replaces alanine 14 with valine.
Molecular consequence: missense variant.
Genome position (GRCh38, 1-based): chr13:77,918,533, G>A on the plus strand (C>T on the coding strand, the complement: EDNRB is on the minus strand). VCF-style: chr13-77918533-G-A. GRCh37 (hg19) VCF-style: chr13-78492668-G-A.
Other names: c.41C>T, p.Ala14Val (NM_000115.5, NM_003991.4); c.311C>T, p.Ala104Val (NM_001201397.2); short protein forms A104V, A14V.
Identifiers: ClinVar variation 3377465 (VCV003377465.1).

ClinVar aggregate classification (germline): Uncertain significance (1 of 4 stars; one submission).

Conditions:
Waardenburg syndrome type 4A (WS4A). Also called: WAARDENBURG SYNDROME WITH HIRSCHSPRUNG DISEASE, TYPE 4A. Identifiers: Orphanet 897, MedGen C1848519, MONDO:0010192, OMIM 277580.

gnomAD v4.1: 19 of 1,593,944 alleles (0.0012%); highest among the groups gnomAD compares: Non-Finnish European, 0.0014%; no homozygotes.

Submission:

Victorian Clinical Genetics Services, Murdoch Childrens Research Institute
Classification: Uncertain significance for Waardenburg syndrome type 4A. Last evaluated: 2020-05-26. Review status: criteria provided, single submitter. Criteria: ACMG Guidelines, 2015. Collection method: clinical testing. Allele origin: germline. Affected: yes.
Comment: Based on the classification scheme VCGS_Germline_v1.1.1, this variant is classified as 3B-VUS. Following criteria are met: 0102 - Loss-of-function is a known mechanism of disease for this gene. (N) 0108 - This gene is known to be associated with both recessive and dominant disease. (N) 0112 - Variants in this gene are known to have reduced penetrance in Waardenburg syndrome, type 2 (PMID: 28236341). (N) 0200 - Variant is predicted to result in a missense amino acid change from alanine to valine (exon 1). (N) 0251 - Variant is heterozygous. (N) 0301 - Variant is absent from gnomAD. (P) 0503 - Missense variant consistently predicted to be tolerated or not conserved in mammals with a minor amino acid change. (B) 0601 - Variant affects at least one essential functional domain or motif. p.(Leu17Pro) resulted in mislocalisation of protein (PMID: 28236341). (P) 0705 - No comparable variants have previous evidence for pathogenicity. (N) 0807 - Variant has not previously been reported in a clinical context. (N) 0905 - No segregation evidence has been identified for this variant. (N) 1007 - No published functional evidence has been identified for this variant. (N) 1208 - Inheritance information for this variant is not currently available. (N) Legend: (P) - Pathogenic, (N) - Neutral, (B) - Benign

Literature cited by the submitters: PubMed 28236341.